The following is an entry in ClinVar:

NM_002890.3(RASA1):c.2030T>G (p.Leu677Trp)

Genes: CCNH (cyclin H; minus strand), RASA1 (RAS p21 protein activator 1; plus strand). Cytogenetic location: 5q14.3.
Variant type: single nucleotide variant.
Coding change: c.2030T>G on transcript NM_002890.3 (MANE Select); coding-DNA position 2030, T replaced by G.
Protein change: p.Leu677Trp; replaces leucine 677 with tryptophan.
Molecular consequence: missense variant. On other transcripts: intron variant (1).
Genome position (GRCh38, 1-based): chr5:87,376,411, T>G. VCF-style: chr5-87376411-T-G. GRCh37 (hg19) VCF-style: chr5-86672228-T-G.
Other names: c.933+18633A>C (NM_001364075.2); c.1499T>G, p.Leu500Trp (NM_022650.3); c.2030T>G (NM_002890.2); short protein forms L677W, L500W.
Identifiers: ClinVar variation 1784761 (VCV001784761.7), dbSNP rs764434977, ClinGen allele CA3335914.

ClinVar aggregate classification (germline): Conflicting classifications of pathogenicity. Review status: criteria provided, conflicting classifications (1 of 4 stars). 3 submissions from 3 submitters: Uncertain significance (1); Likely benign (1). 1 of the submissions does not count toward it. Last evaluated 2025-06-22.

Conditions:
RASA1-related disorder. Also called: RASA1-related condition.
Capillary malformation-arteriovenous malformation syndrome. Also called: Capillary malformation-arteriovenous malformation. Identifiers: Orphanet 137667, MedGen C1842180, MONDO:0012016.
Cardiovascular phenotype. Identifiers: MedGen CN230736.

Allele frequency attached by ClinVar (database versions not stated): gnomAD 0.00001; gnomAD exomes 0.00001; ExAC 0.00001.
gnomAD v4.1: 5 of 1,613,904 alleles (0.00031%); highest among the groups gnomAD compares: Admixed American, 0.005%; no homozygotes.

Submissions (3):

Labcorp Genetics (formerly Invitae), Labcorp
Classification: Uncertain significance for Capillary malformation-arteriovenous malformation syndrome. Last evaluated: 2025-06-22. Review status: criteria provided, single submitter. Criteria: Invitae Variant Classification Sherloc (09022015). Collection method: clinical testing. Allele origin: germline.
Comment: This sequence change replaces leucine, which is neutral and non-polar, with tryptophan, which is neutral and slightly polar, at codon 677 of the RASA1 protein (p.Leu677Trp). This variant is present in population databases (rs764434977, gnomAD 0.009%). This variant has not been reported in the literature in individuals affected with RASA1-related conditions. ClinVar contains an entry for this variant (Variation ID: 1784761). An algorithm developed to predict the effect of missense changes on protein structure and function (PolyPhen-2) suggests that this variant is likely to be disruptive. In summary, the available evidence is currently insufficient to determine the role of this variant in disease. Therefore, it has been classified as a Variant of Uncertain Significance.

Ambry Genetics
Classification: Likely benign for Cardiovascular phenotype. Last evaluated: 2022-08-16. Review status: criteria provided, single submitter. Criteria: Ambry Variant Classification Scheme 2023. Collection method: clinical testing. Allele origin: germline.

PreventionGenetics, part of Exact Sciences
Classification: Uncertain significance for RASA1-related condition. Last evaluated: 2024-06-22. Review status: no assertion criteria provided. Collection method: clinical testing. Allele origin: germline. Not counted in ClinVar's aggregate classification.
Comment: The RASA1 c.2030T>G variant is predicted to result in the amino acid substitution p.Leu677Trp. To our knowledge, this variant has not been reported in the literature. This variant is reported in 0.0085% of alleles in individuals of Latino descent in gnomAD. At this time, the clinical significance of this variant is uncertain due to the absence of conclusive functional and genetic evidence.